The following is an entry in ClinVar:

NC_012920.1(MT-TA):m.5619G>A

Gene: MT-TA (mitochondrially encoded tRNA alanine; minus strand).
Variant type: single nucleotide variant.
Genome position: chrM-5619-G-A.
Identifiers: ClinVar variation 689960 (VCV000689960.1), dbSNP rs1603220062, ClinGen allele CA913180026.

ClinVar aggregate classification (germline): Uncertain significance (1 of 4 stars; one submission).

Conditions:
MELAS syndrome (MELAS). Also called: Juvenile myopathy, encephalopathy, lactic acidosis, stroke. Identifiers: Orphanet 550, MedGen C0162671, MONDO:0010789, OMIM 540000.

Submission:

Wong Mito Lab, Molecular and Human Genetics, Baylor College of Medicine
Classification: Uncertain significance for MELAS syndrome. Last evaluated: 2019-07-12. Review status: criteria provided, single submitter. Criteria: Modified ACMG Guidelines (Unpublished). Collection method: clinical testing. Allele origin: germline.
Comment: The NC_012920.1:m.5619G>A variant in MT-TA gene is interpreted to be a Unknown Significance variant based on the modified ACMG guidelines (unpublished). This variant meets the following evidence codes reported in the guidelines: PP3, PP7

Literature cited by the submitters: PubMed 31965079.